The following is an entry in ClinVar:

ClinVar aggregate classification (germline): Likely pathogenic. Review status: reviewed by expert panel (3 of 4 stars). 2 submissions from 2 submitters: Likely pathogenic (1). 1 of the submissions does not count toward it. Last evaluated 2026-10-05.

Conditions:
Hereditary thrombocytopenia and hematological cancer predisposition syndrome associated with RUNX1. Also called: PLATELET DISORDER, ASPIRIN-LIKE; Familial Platelet Disorder with Propensity to Acute Myelogenous Leukemia; Familial thrombocytopenia with propensity to acute myelogenous leukemia; RUNX1 Familial Platelet Disorder with Associated Myeloid Malignancies. Identifiers: Orphanet 71290, MedGen C1832388, MeSH C563324, MONDO:0100083, OMIM 601399.
Hereditary thrombocytopenia and hematologic cancer predisposition syndrome. Identifiers: Orphanet 71290, MedGen CN281654, MONDO:0011071.

Submissions (2):

ClinGen Myeloid Malignancy Variant Curation Expert Panel
Classification: Likely pathogenic for Hereditary thrombocytopenia and hematologic cancer predisposition syndrome. Last evaluated: 2026-10-05. Review status: reviewed by expert panel. Criteria: ClinGen MyeloMalig ACMG Specifications V3.1. Collection method: curation. Allele origin: germline. Inheritance: Autosomal dominant inheritance.
Comment: NM_001754.5(RUNX1):c.1271_1272insTCTC (p.Pro425LeufsTer?) is a frameshift variant which is not predicted to undergo NMD (PVS1_Strong). This variant is downstream of c.98 (PM5_Supporting) and is completely absent from all population databases with at least 20x coverage for RUNX1 (PM2_Supporting). In summary, this variant meets criteria to be classified as likely pathogenic. ACMG/AMP criteria applied, as specified by the ClinGen Myeloid Malignancy Variant Curation Expert Panel for RUNX1: PVS1_Strong, PM5_Supporting, PM2_Supporting.

Labcorp Genetics (formerly Invitae), Labcorp
Classification: Uncertain significance for Hereditary thrombocytopenia and hematological cancer predisposition syndrome associated with RUNX1. Last evaluated: 2024-04-17. Review status: criteria provided, single submitter. Criteria: Invitae Variant Classification Sherloc (09022015). Collection method: clinical testing. Allele origin: germline. Not counted in ClinVar's aggregate classification.
Comment: This sequence change results in a frameshift in the RUNX1 gene (p.Pro425Leufs*176). While this is not anticipated to result in nonsense mediated decay, it is expected to disrupt the last 56 amino acid(s) of the RUNX1 protein and extend the protein by 119 additional amino acid residues. This variant is not present in population databases (gnomAD no frequency). This variant has not been reported in the literature in individuals affected with RUNX1-related conditions. In summary, the available evidence is currently insufficient to determine the role of this variant in disease. Therefore, it has been classified as a Variant of Uncertain Significance.

NM_001754.5(RUNX1):c.1271_1272insTCTC (p.Pro425fs)

Gene: RUNX1 (RUNX family transcription factor 1; minus strand). Cytogenetic location: 21q22.12.
Variant type: Microsatellite.
Coding change: c.1271_1272insTCTC on transcript NM_001754.5 (MANE Select); coding-DNA positions 1271 to 1272, TCTC inserted.
Protein change: p.Pro425fs; shifts the reading frame from proline 425.
Molecular consequence: frameshift variant.
Genome position: GRCh38 VCF-style: chr21-34792306-C-CGAGA. GRCh37 (hg19) VCF-style: chr21-36164603-C-CGAGA.
Other names: NM_001754.5(RUNX1):c.1271_1272insTCTC; p.Pro425fs; c.1190_1191insTCTC, p.Pro398fs (NM_001001890.3); short protein forms P398fs, P425fs.
Identifiers: ClinVar variation 2857333 (VCV002857333.5), dbSNP rs2516816762, ClinGen allele CA2739267605.